The following is an entry in ClinVar:

ClinVar aggregate classification (germline): Uncertain significance (1 of 4 stars; one submission).

Allele frequency attached by ClinVar (database versions not stated): gnomAD exomes below 0.00001.
gnomAD v4.1: 1 of 1,582,364 alleles (0.000063%); highest among the groups gnomAD compares: East Asian, 0.0023%; no homozygotes.

Submission:

Labcorp Genetics (formerly Invitae), Labcorp
Classification: Uncertain significance. Last evaluated: 2022-07-25. Review status: criteria provided, single submitter. Criteria: Invitae Variant Classification Sherloc (09022015). Collection method: clinical testing. Allele origin: germline.
Comment: This sequence change replaces glutamic acid, which is acidic and polar, with glycine, which is neutral and non-polar, at codon 1237 of the COL18A1 protein (p.Glu1237Gly). This variant is not present in population databases (gnomAD no frequency). This variant has not been reported in the literature in individuals affected with COL18A1-related conditions. ClinVar contains an entry for this variant (Variation ID: 1359802). Algorithms developed to predict the effect of missense changes on protein structure and function output the following: SIFT: "Not Available"; PolyPhen-2: "Not Available"; Align-GVGD: "Not Available". The glycine amino acid residue is found in multiple mammalian species, which suggests that this missense change does not adversely affect protein function. In summary, the available evidence is currently insufficient to determine the role of this variant in disease. Therefore, it has been classified as a Variant of Uncertain Significance.

NM_001379500.1(COL18A1):c.3719A>G (p.Glu1240Gly)

Genes: COL18A1 (collagen type XVIII alpha 1 chain; plus strand), SLC19A1 (solute carrier family 19 member 1; minus strand). Cytogenetic location: 21q22.3.
Variant type: single nucleotide variant.
Coding change: c.3719A>G on transcript NM_001379500.1 (MANE Select); coding-DNA position 3719, A replaced by G.
Protein change: p.Glu1240Gly; replaces glutamic acid 1240 with glycine.
Molecular consequence: missense variant.
Genome position (GRCh38, 1-based): chr21:45,511,136, A>G. VCF-style: chr21-45511136-A-G. GRCh37 (hg19) VCF-style: chr21-46931050-A-G.
Other names: c.4250A>G, p.Glu1417Gly (NM_030582.4); c.4955A>G, p.Glu1652Gly (NM_130444.3); short protein forms E1417G, E1240G, E1652G.
Identifiers: ClinVar variation 1359802 (VCV001359802.5), dbSNP rs375813847, ClinGen allele CA410501903.